The following is an entry in ClinVar:

ClinVar aggregate classification (germline): Uncertain significance (1 of 4 stars; one submission).

Conditions:
Familial hemophagocytic lymphohistiocytosis 5. Also called: STXBP2-Related Familial Hemophagocytic Lymphohistiocytosis (STXBP2-fHLH). Identifiers: Orphanet 540, MedGen C2751293, MONDO:0013135, OMIM 613101.

Allele frequency attached by ClinVar (database versions not stated): gnomAD 0.00001; TOPMed 0.00002.
gnomAD v4.1: 4 of 1,611,558 alleles (0.00025%); highest among the groups gnomAD compares: African/African-American, 0.0013%; no homozygotes.

Submission:

Labcorp Genetics (formerly Invitae), Labcorp
Classification: Uncertain significance for Familial hemophagocytic lymphohistiocytosis 5. Last evaluated: 2020-08-30. Review status: criteria provided, single submitter. Criteria: Invitae Variant Classification Sherloc (09022015). Collection method: clinical testing. Allele origin: germline.
Comment: In summary, the available evidence is currently insufficient to determine the role of this variant in disease. Therefore, it has been classified as a Variant of Uncertain Significance. Algorithms developed to predict the effect of missense changes on protein structure and function (SIFT, PolyPhen-2, Align-GVGD) all suggest that this variant is likely to be tolerated, but these predictions have not been confirmed by published functional studies and their clinical significance is uncertain. This variant has not been reported in the literature in individuals with STXBP2-related conditions. This variant is not present in population databases (ExAC no frequency). This sequence change replaces aspartic acid with asparagine at codon 485 of the STXBP2 protein (p.Asp485Asn). The aspartic acid residue is moderately conserved and there is a small physicochemical difference between aspartic acid and asparagine.

NM_006949.4(STXBP2):c.1453G>A (p.Asp485Asn)

Gene: STXBP2 (syntaxin binding protein 2; plus strand). Cytogenetic location: 19p13.2.
Variant type: single nucleotide variant.
Coding change: c.1453G>A on transcript NM_006949.4 (MANE Select); coding-DNA position 1453, G replaced by A.
Protein change: p.Asp485Asn; replaces aspartic acid 485 with asparagine.
Molecular consequence: missense variant. On other transcripts: non-coding transcript variant (1).
Genome position (GRCh38, 1-based): chr19:7,647,162, G>A. VCF-style: chr19-7647162-G-A. GRCh37 (hg19) VCF-style: chr19-7712048-G-A.
Other names: c.1444G>A, p.Asp482Asn (NM_001127396.3); c.1486G>A, p.Asp496Asn (NM_001272034.2); short protein forms D496N, D482N, D485N.
Identifiers: ClinVar variation 1044442 (VCV001044442.7), dbSNP rs1279177809, ClinGen allele CA403161733.